The following is an entry in ClinVar:

NM_000455.5(STK11):c.734+17C>G

Gene: STK11 (serine/threonine kinase 11; plus strand). Cytogenetic location: 19p13.3.
Variant type: single nucleotide variant.
Coding change: c.734+17C>G on transcript NM_000455.5 (MANE Select); 17 bases into the intron after coding-DNA position 734, C replaced by G.
Molecular consequence: intron variant.
Genome position (GRCh38, 1-based): chr19:1,220,734, C>G. VCF-style: chr19-1220734-C-G. GRCh37 (hg19) VCF-style: chr19-1220733-C-G.
Identifiers: ClinVar variation 379077 (VCV000379077.15), dbSNP rs751929304, ClinGen allele CA048643.
Genomic context (GRCh38, chr19:1,220,734, plus strand): 5'-TTCTCCGGCTTCAAGGTGGACATCTGGTCGGCTGGGGTCACCCTGTAAGTGCCCCGCCCC[C>G]CCGGGCACTCACCACACGCACACTCCGAGGGGCCTCTGCGTCTTGGGCAGCTGCCGGCCT-3'

ClinVar aggregate classification (germline): Benign/Likely benign. Review status: criteria provided, multiple submitters, no conflicts (2 of 4 stars). 7 submissions from 7 submitters: Benign (2); Likely benign (5). Last evaluated 2026-01-20.

Conditions:
Peutz-Jeghers syndrome (PJS). Also called: POLYPOSIS, HAMARTOMATOUS INTESTINAL; POLYPS-AND-SPOTS SYNDROME; Peutz-Jeghers polyposis; Periorificial lentiginosis syndrome. Identifiers: Orphanet 2869, MedGen C0031269, MeSH D010580, MONDO:0008280, OMIM 175200.
Hereditary cancer-predisposing syndrome. Also called: Neoplastic Syndromes, Hereditary; Tumor predisposition; Hereditary Cancer Syndrome; Hereditary neoplastic syndrome. Identifiers: Orphanet 140162, MedGen C0027672, MeSH D009386, MONDO:0015356.

Allele frequency attached by ClinVar (database versions not stated): ExAC 0.00002; gnomAD 0.00006 and 0.00007; TOPMed 0.00008.
gnomAD v4.1: 30 of 1,600,552 alleles (0.0019%); highest among the groups gnomAD compares: African/African-American, 0.023%; no homozygotes.

Submissions (7):

Labcorp Genetics (formerly Invitae), Labcorp
Classification: Likely benign for Peutz-Jeghers syndrome. Last evaluated: 2026-01-20. Review status: criteria provided, single submitter. Criteria: Invitae Variant Classification Sherloc (09022015). Collection method: clinical testing. Allele origin: germline.

Center for Genomic Medicine, Rigshospitalet, Copenhagen University Hospital
Classification: Likely benign. Last evaluated: 2025-03-04. Review status: criteria provided, single submitter. Criteria: ACMG Guidelines, 2015. Collection method: clinical testing. Allele origin: germline.

Blueprint Genetics
Classification: Likely benign. Last evaluated: 2024-11-07. Review status: criteria provided, single submitter. Criteria: ACMG Guidelines, 2015. Collection method: clinical testing. Allele origin: germline.

KCCC/NGS Laboratory, Kuwait Cancer Control Center
Classification: Benign for Peutz-Jeghers syndrome. Last evaluated: 2023-07-07. Review status: criteria provided, single submitter. Criteria: ACMG Guidelines, 2015. Collection method: clinical testing. Allele origin: germline. Affected: yes.

Genome-Nilou Lab
Classification: Likely benign for Peutz-Jeghers syndrome. Last evaluated: 2021-07-15. Review status: criteria provided, single submitter. Criteria: ACMG Guidelines, 2015. Collection method: clinical testing. Allele origin: germline. Affected: no.

Color Diagnostics, LLC DBA Color Health
Classification: Likely benign for Hereditary cancer-predisposing syndrome. Last evaluated: 2016-05-29. Review status: criteria provided, single submitter. Criteria: ACMG Guidelines, 2015. Collection method: clinical testing. Allele origin: germline.

GeneDx
Classification: Benign. Last evaluated: 2015-05-26. Review status: criteria provided, single submitter. Criteria: GeneDx Variant Classification (06012015). Collection method: clinical testing. Allele origin: germline. Affected: yes.
Comment: This variant is considered likely benign or benign based on one or more of the following criteria: it is a conservative change, it occurs at a poorly conserved position in the protein, it is predicted to be benign by multiple in silico algorithms, and/or has population frequency not consistent with disease.